The following is an entry in ClinVar:

NM_000194.3(HPRT1):c.134+6_134+9del

Gene: HPRT1 (hypoxanthine phosphoribosyltransferase 1; plus strand). Cytogenetic location: Xq26.2.
Variant type: Microsatellite.
Coding change: c.134+6_134+9del on transcript NM_000194.3 (MANE Select); bases 6 to 9 of the intron after coding-DNA position 134, 4 bases deleted (TAAG; older notation c.134+6_134+9delTAAG).
Molecular consequence: splice donor variant.
Genome position (GRCh38, 1-based): chrX:134,473,471-134,473,474, TAAG deleted; deleting any 4 consecutive bases within chrX:134,473,466-134,473,474 gives the same sequence; the c. name uses the placement nearest the transcript's 3' end. VCF-style (leftmost placement, unchanged base first): chrX-134473465-GGTAA-G. GRCh37 (hg19) VCF-style: chrX-133607495-GGTAA-G.
Other names: c.134+6_134+9delTAAG (NM_000194.2).
Identifiers: ClinVar variation 195035 (VCV000195035.16), dbSNP rs794727238, ClinGen allele CA241304.

ClinVar aggregate classification (germline): Conflicting classifications of pathogenicity. Review status: criteria provided, conflicting classifications (1 of 4 stars). 5 submissions from 5 submitters: Uncertain significance (1); Benign (1); Likely benign (2). 1 of the submissions does not count toward it. Last evaluated 2024-01-25.

Conditions:
HPRT1-related disorder. Also called: HPRT1-related disorders; HPRT1-related condition.
Nephrolithiasis/nephrocalcinosis. Identifiers: MedGen CN580796.
Partial hypoxanthine-guanine phosphoribosyltransferase deficiency. Also called: GOUT, HPRT-RELATED; HPRT1 DEFICIENCY, PARTIAL; HPRT DEFICIENCY, PARTIAL; HYPOXANTHINE GUANINE PHOSPHORIBOSYLTRANSFERASE 1 DEFICIENCY, PARTIAL; Kelley-Seegmiller Syndrome. Identifiers: Orphanet 79233, MedGen C0268117, MONDO:0010299, OMIM 300323.
Lesch-Nyhan syndrome (LNS). Also called: Lesch-Nyhan Disease (LND); HPRT DEFICIENCY, COMPLETE. Identifiers: Orphanet 510, MedGen C0023374, MONDO:0010298, OMIM 300322.

Submissions (5):

Labcorp Genetics (formerly Invitae), Labcorp
Classification: Benign for Lesch-Nyhan syndrome; Partial hypoxanthine-guanine phosphoribosyltransferase deficiency. Last evaluated: 2024-01-25. Review status: criteria provided, single submitter. Criteria: Invitae Variant Classification Sherloc (09022015). Collection method: clinical testing. Allele origin: germline.

Ambry Genetics
Classification: Likely benign for Nephrolithiasis/nephrocalcinosis. Last evaluated: 2021-10-13. Review status: criteria provided, single submitter. Criteria: Ambry Variant Classification Scheme 2023. Collection method: clinical testing. Allele origin: germline.

Mendelics
Classification: Likely benign for Lesch-Nyhan syndrome. Last evaluated: 2019-05-28. Review status: criteria provided, single submitter. Criteria: Mendelics Assertion Criteria 2017. Collection method: clinical testing. Allele origin: unknown.

Eurofins Ntd Llc (ga)
Classification: Uncertain significance. Last evaluated: 2015-04-03. Review status: criteria provided, single submitter. Criteria: EGL Classification Definitions 2015. Collection method: clinical testing. Allele origin: germline. Observed: 1 variant allele.

PreventionGenetics, part of Exact Sciences
Classification: Likely benign for HPRT1-related condition. Last evaluated: 2019-10-28. Review status: no assertion criteria provided. Collection method: clinical testing. Allele origin: germline. Not counted in ClinVar's aggregate classification.
Comment: This variant is classified as likely benign based on ACMG/AMP sequence variant interpretation guidelines (Richards et al. 2015 PMID: 25741868, with internal and published modifications).